The following is an entry in ClinVar:

NM_032382.5(COG8):c.1018G>A (p.Gly340Ser)

Gene: COG8 (component of oligomeric golgi complex 8; minus strand). Cytogenetic location: 16q22.1.
Variant type: single nucleotide variant.
Coding change: c.1018G>A on transcript NM_032382.5 (MANE Select); coding-DNA position 1018, G replaced by A.
Protein change: p.Gly340Ser; replaces glycine 340 with serine.
Molecular consequence: missense variant.
Genome position (GRCh38, 1-based): chr16:69,334,916, C>T on the plus strand (G>A on the coding strand, the complement: COG8 is on the minus strand). VCF-style: chr16-69334916-C-T. GRCh37 (hg19) VCF-style: chr16-69368819-C-T.
Other names: c.1018G>A, p.Gly340Ser (NM_001374871.1, NM_001379261.1, NM_001379262.1 and 4 more transcripts); short protein forms G340S.
Identifiers: ClinVar variation 1516557 (VCV001516557.8), dbSNP rs780027868, ClinGen allele CA8133803.

ClinVar aggregate classification (germline): Uncertain significance (1 of 4 stars; one submission).

Conditions:
COG8-congenital disorder of glycosylation. Also called: CDG IIh; COG8-CDG. Identifiers: Orphanet 95428, MedGen C1970021, MONDO:0012635, OMIM 611182.

Allele frequency attached by ClinVar (database versions not stated): gnomAD 0.00001 and 0.00002; ExAC 0.00002; gnomAD exomes 0.00002 and 0.00003; TOPMed 0.00002.
gnomAD v4.1: 50 of 1,614,016 alleles (0.0031%); highest among the groups gnomAD compares: Admixed American, 0.01%; no homozygotes.

Submission:

Labcorp Genetics (formerly Invitae), Labcorp
Classification: Uncertain significance for COG8-congenital disorder of glycosylation. Last evaluated: 2022-06-13. Review status: criteria provided, single submitter. Criteria: Invitae Variant Classification Sherloc (09022015). Collection method: clinical testing. Allele origin: germline.
Comment: This sequence change replaces glycine, which is neutral and non-polar, with serine, which is neutral and polar, at codon 340 of the COG8 protein (p.Gly340Ser). In summary, the available evidence is currently insufficient to determine the role of this variant in disease. Therefore, it has been classified as a Variant of Uncertain Significance. Algorithms developed to predict the effect of missense changes on protein structure and function output the following: SIFT: "Tolerated"; PolyPhen-2: "Benign"; Align-GVGD: "Class C0". The serine amino acid residue is found in multiple mammalian species, which suggests that this missense change does not adversely affect protein function. This variant has not been reported in the literature in individuals affected with COG8-related conditions. This variant is present in population databases (rs780027868, gnomAD 0.009%).